The following is an entry in ClinVar:

ClinVar aggregate classification (germline): Likely pathogenic (1 of 4 stars; one submission).

Conditions:
Stromme syndrome (STROMS). Also called: Ciliary dyskinesia, primary, 31; Strømme Syndrome; APPLE PEEL SYNDROME WITH MICROCEPHALY AND OCULAR ANOMALIES. Identifiers: Orphanet 444069, Orphanet 506307, MedGen C1855705, MONDO:0009477, OMIM 243605.

Submission:

Neuberg Centre For Genomic Medicine, NCGM
Classification: Likely pathogenic for Stromme syndrome. Review status: criteria provided, single submitter. Criteria: ACMG Guidelines, 2015. Collection method: clinical testing. Allele origin: germline. Inheritance: Autosomal recessive inheritance. Affected: yes.
Comment: The splice donor variant c.4986+1G>C in CENPF gene has not been reported previously as a pathogenic variant nor as a benign variant, to our knowledge. The variant is novel not in any individuals in gnomAD Exomes and in 1000 Genomes.The variant affects the GT donor splice site downstream of exon 12. This variant is predicted to cause loss of normal protein function through protein truncation. Loss of function variants have been previously reported to be disease causing Filges I, et al., 2016. For these reasons, this variant has been classified as Likely Pathogenic.

NM_016343.4(CENPF):c.4986+1G>C

Gene: CENPF (centromere protein F; plus strand). Cytogenetic location: 1q41.
Variant type: single nucleotide variant.
Coding change: c.4986+1G>C on transcript NM_016343.4 (MANE Select); the canonical splice donor site of the intron after coding-DNA position 4986, G replaced by C.
Molecular consequence: splice donor variant.
Genome position (GRCh38, 1-based): chr1:214,643,325, G>C. VCF-style: chr1-214643325-G-C. GRCh37 (hg19) VCF-style: chr1-214816668-G-C.
Identifiers: ClinVar variation 3234915 (VCV003234915.1), dbSNP rs1558184644, ClinGen allele CA344837722.
Genomic context (GRCh38, chr1:214,643,325, plus strand): 5'-CTCCAGCTACAAGGTCTGGACTTAAGTTCTCGGTCTTTGCTTGGCATCGACACAGAAGAT[G>C]TAAGTACCTGGGATTTAAATGCCATTTCTCGGTTTACATGACTAGTGGACACTCAGTAAA-3'